The following is an entry in ClinVar:

NM_000548.5(TSC2):c.3981C>T (p.Asp1327=)

Gene: TSC2 (TSC complex subunit 2; plus strand). Cytogenetic location: 16p13.3.
Variant type: single nucleotide variant.
Coding change: c.3981C>T on transcript NM_000548.5 (MANE Select); coding-DNA position 3981, C replaced by T.
Protein change: p.Asp1327=; no amino-acid change (aspartic acid 1327 retained).
Molecular consequence: synonymous variant.
Genome position (GRCh38, 1-based): chr16:2,083,792, C>T. VCF-style: chr16-2083792-C-T. GRCh37 (hg19) VCF-style: chr16-2133793-C-T.
Other names: c.3780C>T, p.Asp1260= (NM_001077183.3); c.3912C>T, p.Asp1304= (NM_001114382.3); c.3672C>T, p.Asp1224= (NM_001318827.2); c.3636C>T, p.Asp1212= (NM_001318829.2); c.3249C>T, p.Asp1083= (NM_001318831.2); c.3813C>T, p.Asp1271= (NM_001318832.2); c.3783C>T, p.Asp1261= (NM_001363528.2); c.3849C>T, p.Asp1283= (NM_001370404.1); and 1 more.
Identifiers: ClinVar variation 238036 (VCV000238036.22), dbSNP rs876659087, ClinGen allele CA10583327.
Genomic context (GRCh38, chr16:2,083,792, plus strand): 5'-GGTTCCTGTGCTGGTGGAGCCCCCAGGGTTGGAGGACGTTGAGGCAGCGCTAGGCATGGA[C>T]AGGCGCACGGATGCCTACAGCAGGGTGAGTGTGGCTCAGAGCCTGGACCCTGCTGACCTC-3'
Protein context (NP_000539.2, residues 1317-1337): LEDVEAALGM[Asp1327=]RRTDAYSRSS

ClinVar aggregate classification (germline): Benign/Likely benign. Review status: criteria provided, multiple submitters, no conflicts (2 of 4 stars). 7 submissions from 7 submitters: Benign (3); Likely benign (4). Last evaluated 2026-01-28.

Conditions:
Hereditary cancer-predisposing syndrome. Also called: Tumor predisposition; Hereditary Cancer Syndrome; Hereditary neoplastic syndrome; Neoplastic Syndromes, Hereditary. Identifiers: Orphanet 140162, MedGen C0027672, MeSH D009386, MONDO:0015356.
Tuberous sclerosis 2 (TSC2). Identifiers: Orphanet 805, MedGen C1860707, MONDO:0013199, OMIM 613254.
Tuberous sclerosis syndrome (TSC). Also called: Tuberous Sclerosis Complex; Tuberous sclerosis. Identifiers: Orphanet 805, MedGen C0041341, MONDO:0001734.

Allele frequency attached by ClinVar (database versions not stated): gnomAD exomes below 0.00001; gnomAD 0.00003 and 0.00004; TOPMed 0.00003.
gnomAD v4.1: 23 of 1,611,428 alleles (0.0014%); highest among the groups gnomAD compares: African/African-American, 0.0027%; no homozygotes.

Submissions (7):

Labcorp Genetics (formerly Invitae), Labcorp
Classification: Benign for Tuberous sclerosis 2. Last evaluated: 2026-01-28. Review status: criteria provided, single submitter. Criteria: Invitae Variant Classification Sherloc (09022015). Collection method: clinical testing. Allele origin: germline.

Myriad Genetics, Inc.
Classification: Benign for Tuberous sclerosis 2. Last evaluated: 2025-06-02. Review status: criteria provided, single submitter. Criteria: Myriad Autosomal Dominant, Autosomal Recessive and X-Linked Classification Criteria (2023). Collection method: clinical testing. Allele origin: unknown.
Comment: This variant is considered benign. This variant is a silent/synonymous amino acid change and it is not expected to impact splicing.

All of Us Research Program, National Institutes of Health
Classification: Likely benign for Tuberous sclerosis syndrome. Last evaluated: 2023-12-01. Review status: criteria provided, single submitter. Criteria: ACMG Guidelines, 2015. Collection method: clinical testing. Allele origin: germline. Inheritance: Autosomal dominant inheritance. Observed: 12 variant alleles, 12 heterozygotes.
Comment: This study involves interpretation of variants in research participants for the purpose of population health screening. Participant phenotype was not available at the time of variant classification. Additional details can be found in publication PMID: 35346344, PMCID: PMC8962531

Color Diagnostics, LLC DBA Color Health
Classification: Likely benign for Tuberous sclerosis syndrome. Last evaluated: 2022-10-05. Review status: criteria provided, single submitter. Criteria: ACMG Guidelines, 2015. Collection method: clinical testing. Allele origin: germline.

Genome-Nilou Lab
Classification: Benign for Tuberous sclerosis 2. Last evaluated: 2021-11-07. Review status: criteria provided, single submitter. Criteria: ACMG Guidelines, 2015. Collection method: clinical testing. Allele origin: germline. Affected: no.

GeneDx
Classification: Likely benign. Last evaluated: 2019-12-27. Review status: criteria provided, single submitter. Criteria: GeneDx Variant Classification Process June 2021. Collection method: clinical testing. Allele origin: germline. Affected: yes.

Ambry Genetics
Classification: Likely benign for Hereditary cancer-predisposing syndrome. Last evaluated: 2015-03-16. Review status: criteria provided, single submitter. Criteria: Ambry Variant Classification Scheme 2023. Collection method: clinical testing. Allele origin: germline.